The following is an entry in ClinVar:

ClinVar aggregate classification (germline): Pathogenic (1 of 4 stars; one submission).

Conditions:
Marfan syndrome (MFS). Also called: MARFAN SYNDROME, TYPE I; FBN1-Related Marfan Syndrome; Marfan syndrome type 1; Marfan's syndrome; Marfan syndrome, classic. Identifiers: Orphanet 284963, Orphanet 558, MedGen C0024796, MONDO:0007947, OMIM 154700.
Familial thoracic aortic aneurysm and aortic dissection (TAAD). Also called: Thoracic aortic aneurysms and dissections. Identifiers: Orphanet 91387, MedGen C4707243, MONDO:0019625.

Submission:

Labcorp Genetics (formerly Invitae), Labcorp
Classification: Pathogenic for Marfan syndrome; Familial thoracic aortic aneurysm and aortic dissection. Last evaluated: 2022-09-06. Review status: criteria provided, single submitter. Criteria: Invitae Variant Classification Sherloc (09022015). Collection method: clinical testing. Allele origin: germline.
Comment: For these reasons, this variant has been classified as Pathogenic. This variant disrupts a region of the FBN1 protein in which other variant(s) (p.Cys2151Arg) have been determined to be pathogenic (PMID: 8136837, 19293843; Invitae). This suggests that this is a clinically significant region of the protein, and that variants that disrupt it are likely to be disease-causing. This variant has not been reported in the literature in individuals affected with FBN1-related conditions. This variant is a gross deletion of the genomic region encompassing exon(s) 44-53 of the FBN1 gene. This variant would be expected to be in-frame, preserving the integrity of the reading frame.

Literature cited by the submitters: PubMed 8136837; PubMed 19293843.

NC_000015.9:g.(?_48729138)_(48748979_?)del

Gene: FBN1 (fibrillin 1; minus strand). Cytogenetic location: 15q21.1.
Variant type: Deletion.
Identifiers: ClinVar variation 2422446 (VCV002422446.4).